The following is an entry in ClinVar:

NM_004456.5(EZH2):c.165C>G (p.Ile55Met)

Gene: EZH2 (enhancer of zeste 2 polycomb repressive complex 2 subunit; minus strand). Cytogenetic location: 7q36.1.
Variant type: single nucleotide variant.
Coding change: c.165C>G on transcript NM_004456.5 (MANE Select); coding-DNA position 165, C replaced by G.
Protein change: p.Ile55Met; replaces isoleucine 55 with methionine.
Molecular consequence: missense variant.
Genome position (GRCh38, 1-based): chr7:148,846,551, G>C on the plus strand (C>G on the coding strand, the complement: EZH2 is on the minus strand). VCF-style: chr7-148846551-G-C. GRCh37 (hg19) VCF-style: chr7-148543643-G-C.
Other names: c.165C>G, p.Ile55Met (NM_001203247.2, NM_001203248.2, NM_001203249.2 and 1 more transcripts); short protein forms I55M.
Identifiers: ClinVar variation 411685 (VCV000411685.16), dbSNP rs199645805, ClinGen allele CA4548196.

ClinVar aggregate classification (germline): Conflicting classifications of pathogenicity. Review status: criteria provided, conflicting classifications (1 of 4 stars). 4 submissions from 4 submitters: Uncertain significance (1); Likely benign (2). 1 of the submissions does not count toward it. Last evaluated 2026-01-27.

Conditions:
EZH2-related disorder.
Weaver syndrome (WVS). Also called: Weaver Smith syndrome; Overgrowth syndrome with accelerated skeletal maturation, unusual facies, and camptodactyly. Identifiers: Orphanet 3447, MedGen C0265210, MONDO:0010193, OMIM 277590.

Allele frequency attached by ClinVar (database versions not stated): ExAC 0.00012; gnomAD exomes 0.00021 and 0.00044; gnomAD 0.00023 and 0.00024; TOPMed 0.00026; ESP Exome Variant Server 0.00031.
gnomAD v4.1: 667 of 1,613,324 alleles (0.041%); highest among the groups gnomAD compares: Non-Finnish European, 0.047%; no homozygotes.

Submissions (4):

Labcorp Genetics (formerly Invitae), Labcorp
Classification: Likely benign for Weaver syndrome. Last evaluated: 2026-01-27. Review status: criteria provided, single submitter. Criteria: Invitae Variant Classification Sherloc (09022015). Collection method: clinical testing. Allele origin: germline.

Blueprint Genetics
Classification: Likely benign. Last evaluated: 2024-10-23. Review status: criteria provided, single submitter. Criteria: ACMG Guidelines, 2015. Collection method: clinical testing. Allele origin: germline.

GeneDx
Classification: Uncertain significance. Last evaluated: 2015-04-15. Review status: criteria provided, single submitter. Criteria: GeneDx Variant Classification (06012015). Collection method: clinical testing. Allele origin: germline. Affected: yes.
Comment: The I55M variant in the EZH2 gene has not been published as a pathogenic variant, nor has it been reported as a benign polymorphism to our knowledge. The I55M variant was not observed with a significant frequency in approximately 6,500 individuals of European and African American ancestry in the NHLBI Exome Sequencing Project, indicating it is not a common benign variant in these populations. The I55M variant is a conservative amino acid substitution, which is not likely to impact secondary protein structure as these residues share similar properties. This substitution occurs at a position that is not conserved across species. In silico analysis is inconsistent in its predictions as to whether or not the variant is damaging to the protein structure/function. We interpret I55M as a variant of unknown significance.

PreventionGenetics, part of Exact Sciences
Classification: Likely benign for EZH2-related condition. Last evaluated: 2021-02-15. Review status: no assertion criteria provided. Collection method: clinical testing. Allele origin: germline. Not counted in ClinVar's aggregate classification.
Comment: This variant is classified as likely benign based on ACMG/AMP sequence variant interpretation guidelines (Richards et al. 2015 PMID: 25741868, with internal and published modifications).